The following is an entry in ClinVar:

NM_015178.3(RHOBTB2):c.751A>G (p.Ser251Gly)

Gene: RHOBTB2 (Rho related BTB domain containing 2; plus strand). Cytogenetic location: 8p21.3.
Variant type: single nucleotide variant.
Coding change: c.751A>G on transcript NM_015178.3 (MANE Select); coding-DNA position 751, A replaced by G.
Protein change: p.Ser251Gly; replaces serine 251 with glycine.
Molecular consequence: missense variant.
Genome position (GRCh38, 1-based): chr8:23,006,996, A>G. VCF-style: chr8-23006996-A-G. GRCh37 (hg19) VCF-style: chr8-22864509-A-G.
Other names: c.817A>G, p.Ser273Gly (NM_001160036.2); c.772A>G, p.Ser258Gly (NM_001160037.2); c.751A>G, p.Ser251Gly (NM_001374791.1); short protein forms S251G, S273G, S258G.
Identifiers: ClinVar variation 1436076 (VCV001436076.8), dbSNP rs2128804522, ClinGen allele CA370565438.

ClinVar aggregate classification (germline): Uncertain significance (1 of 4 stars; one submission).

Submission:

Labcorp Genetics (formerly Invitae), Labcorp
Classification: Uncertain significance. Last evaluated: 2023-12-30. Review status: criteria provided, single submitter. Criteria: Invitae Variant Classification Sherloc (09022015). Collection method: clinical testing. Allele origin: germline.
Comment: This sequence change replaces serine, which is neutral and polar, with glycine, which is neutral and non-polar, at codon 273 of the RHOBTB2 protein (p.Ser273Gly). This variant is not present in population databases (gnomAD no frequency). This variant has not been reported in the literature in individuals affected with RHOBTB2-related conditions. ClinVar contains an entry for this variant (Variation ID: 1436076). Advanced modeling of protein sequence and biophysical properties (such as structural, functional, and spatial information, amino acid conservation, physicochemical variation, residue mobility, and thermodynamic stability) performed at Invitae indicates that this missense variant is not expected to disrupt RHOBTB2 protein function with a negative predictive value of 80%. In summary, the available evidence is currently insufficient to determine the role of this variant in disease. Therefore, it has been classified as a Variant of Uncertain Significance.